The following is an entry in ClinVar:

NM_001002294.3(FMO3):c.726_729del (p.Phe242fs)

Gene: FMO3 (flavin containing dimethylaniline monoxygenase 3; plus strand). Cytogenetic location: 1q24.3.
Variant type: Deletion.
Coding change: c.726_729del on transcript NM_001002294.3 (MANE Select); coding-DNA positions 726 to 729, 4 bases deleted (CCTC; older notation c.726_729delCCTC).
Protein change: p.Phe242fs; shifts the reading frame from phenylalanine 242.
Molecular consequence: frameshift variant.
Genome position (GRCh38, 1-based): chr1:171,110,896-171,110,899, CCTC deleted. VCF-style (leftmost placement, unchanged base first): chr1-171110895-TCCTC-T. GRCh37 (hg19) VCF-style: chr1-171080036-TCCTC-T.
Other names: c.666_669del, p.Phe222fs (NM_001319173.2); c.537_540del, p.Phe179fs (NM_001319174.2); c.726_729del, p.Phe242fs (NM_006894.6); short protein forms F222fs, F242fs, F179fs.
Identifiers: ClinVar variation 2833474 (VCV002833474.4), dbSNP rs1331483649, ClinGen allele CA526746750.

ClinVar aggregate classification (germline): Pathogenic/Likely pathogenic. Review status: criteria provided, multiple submitters, no conflicts (2 of 4 stars). 2 submissions from 2 submitters: Pathogenic (1); Likely pathogenic (1). Last evaluated 2024-02-10.

Conditions:
Trimethylaminuria (TMAU). Also called: FISH-ODOR SYNDROME; Primary Trimethylaminuria; Fish malodor syndrome; Stale fish syndrome; TMAuria. Identifiers: MedGen C0342739, MONDO:0011182, OMIM 602079, HP:0003614. Disease mechanism: loss of function.

Allele frequency attached by ClinVar (database versions not stated): TOPMed below 0.00001; gnomAD exomes 0.00001.

Submissions (2):

Fulgent Genetics
Classification: Likely pathogenic for Trimethylaminuria. Last evaluated: 2024-02-10. Review status: criteria provided, single submitter. Criteria: ACMG Guidelines, 2015. Collection method: clinical testing. Allele origin: germline.

Labcorp Genetics (formerly Invitae), Labcorp
Classification: Pathogenic. Last evaluated: 2024-01-04. Review status: criteria provided, single submitter. Criteria: Invitae Variant Classification Sherloc (09022015). Collection method: clinical testing. Allele origin: germline.
Comment: This sequence change creates a premature translational stop signal (p.Phe242Leufs*15) in the FMO3 gene. It is expected to result in an absent or disrupted protein product. Loss-of-function variants in FMO3 are known to be pathogenic (PMID: 20301282). This variant is present in population databases (no rsID available, gnomAD 0.0009%). This variant has not been reported in the literature in individuals affected with FMO3-related conditions. For these reasons, this variant has been classified as Pathogenic.

Literature cited by the submitters: PubMed 20301282 (cited by Labcorp Genetics (formerly Invitae), Labcorp).